The following is an entry in ClinVar:

ClinVar aggregate classification (germline): Uncertain significance (1 of 4 stars; one submission).

Submission:

Labcorp Genetics (formerly Invitae), Labcorp
Classification: Uncertain significance. Last evaluated: 2022-07-03. Review status: criteria provided, single submitter. Criteria: Invitae Variant Classification Sherloc (09022015). Collection method: clinical testing. Allele origin: germline.
Comment: In summary, the available evidence is currently insufficient to determine the role of this variant in disease. Therefore, it has been classified as a Variant of Uncertain Significance. Variants that disrupt the consensus splice site are a relatively common cause of aberrant splicing (PMID: 17576681, 9536098). Algorithms developed to predict the effect of sequence changes on RNA splicing suggest that this variant may disrupt the consensus splice site. This variant has not been reported in the literature in individuals affected with SZT2-related conditions. This variant is not present in population databases (gnomAD no frequency). This sequence change falls in intron 43 of the SZT2 gene. It does not directly change the encoded amino acid sequence of the SZT2 protein. It affects a nucleotide within the consensus splice site.

Literature cited by the submitters: PubMed 17576681; PubMed 9536098.

NM_001365999.1(SZT2):c.6290+5G>C

Gene: SZT2 (SZT2 subunit of KICSTOR complex; plus strand). Cytogenetic location: 1p34.2.
Variant type: single nucleotide variant.
Coding change: c.6290+5G>C on transcript NM_001365999.1 (MANE Select); 5 bases into the intron after coding-DNA position 6290, G replaced by C.
Molecular consequence: intron variant.
Genome position (GRCh38, 1-based): chr1:43,437,513, G>C. VCF-style: chr1-43437513-G-C. GRCh37 (hg19) VCF-style: chr1-43903184-G-C.
Other names: c.6119+5G>C (NM_015284.4).
Identifiers: ClinVar variation 2013567 (VCV002013567.4), dbSNP rs2545841297, ClinGen allele CA2580062813.